The following is an entry in ClinVar:

ClinVar aggregate classification (germline): Uncertain significance (1 of 4 stars; one submission).

gnomAD v4.1: 6 of 1,614,136 alleles (0.00037%); highest among the groups gnomAD compares: Non-Finnish European, 0.00051%; no homozygotes.

Submission:

Labcorp Genetics (formerly Invitae), Labcorp
Classification: Uncertain significance. Last evaluated: 2024-12-23. Review status: criteria provided, single submitter. Criteria: Invitae Variant Classification Sherloc (09022015). Collection method: clinical testing. Allele origin: germline.
Comment: This sequence change replaces arginine, which is basic and polar, with threonine, which is neutral and polar, at codon 149 of the DMRT1 protein (p.Arg149Thr). This variant is present in population databases (rs568893758, gnomAD 0.0009%). This variant has not been reported in the literature in individuals affected with DMRT1-related conditions. Invitae Evidence Modeling of protein sequence and biophysical properties (such as structural, functional, and spatial information, amino acid conservation, physicochemical variation, residue mobility, and thermodynamic stability) indicates that this missense variant is not expected to disrupt DMRT1 protein function with a negative predictive value of 80%. In summary, the available evidence is currently insufficient to determine the role of this variant in disease. Therefore, it has been classified as a Variant of Uncertain Significance.

NM_021951.3(DMRT1):c.446G>C (p.Arg149Thr)

Gene: DMRT1 (doublesex and mab-3 related transcription factor 1; plus strand). Cytogenetic location: 9p24.3.
Variant type: single nucleotide variant.
Coding change: c.446G>C on transcript NM_021951.3 (MANE Select); coding-DNA position 446, G replaced by C.
Protein change: p.Arg149Thr; replaces arginine 149 with threonine.
Molecular consequence: missense variant. On other transcripts: 5 prime UTR variant (1).
Genome position (GRCh38, 1-based): chr9:847,051, G>C. VCF-style: chr9-847051-G-C. GRCh37 (hg19) VCF-style: chr9-847051-G-C.
Other names: c.-29G>C (NM_001363767.1); short protein forms R149T.
Identifiers: ClinVar variation 3617061 (VCV003617061.2).